The following is an entry in ClinVar:

ClinVar aggregate classification (germline): Benign/Likely benign. Review status: criteria provided, multiple submitters, no conflicts (2 of 4 stars). 6 submissions from 6 submitters: Benign (2); Likely benign (3). 1 of the submissions does not count toward it. Last evaluated 2026-06-28.

Conditions:
HPS5-related disorder. Also called: HPS5-related condition.

Allele frequency attached by ClinVar (database versions not stated): gnomAD 0.00353 and 0.00375; TOPMed 0.00394; ESP Exome Variant Server 0.00493; 1000 Genomes Project 30x 0.00578; 1000 Genomes Project 0.00599.

Submissions (6):

Women's Health and Genetics/Laboratory Corporation of America, LabCorp
Classification: Likely benign. Last evaluated: 2026-06-28. Review status: criteria provided, single submitter. Criteria: LabCorp Variant Classification Summary - May 2015. Collection method: clinical testing. Allele origin: germline.

Labcorp Genetics (formerly Invitae), Labcorp
Classification: Benign. Last evaluated: 2026-01-28. Review status: criteria provided, single submitter. Criteria: Invitae Variant Classification Sherloc (09022015). Collection method: clinical testing. Allele origin: germline.

Blueprint Genetics
Classification: Likely benign. Last evaluated: 2024-07-11. Review status: criteria provided, single submitter. Criteria: ACMG Guidelines, 2015. Collection method: clinical testing. Allele origin: germline.

GeneDx
Classification: Likely benign. Last evaluated: 2019-03-01. Review status: criteria provided, single submitter. Criteria: GeneDx Variant Classification Process June 2021. Collection method: clinical testing. Allele origin: germline. Affected: yes.
Comment: See Variant Classification Assertion Criteria.

Breakthrough Genomics
Classification: Benign. Review status: criteria provided, single submitter. Criteria: ACMG Guidelines, 2015. Collection method: not provided. Allele origin: germline. Inheritance: Autosomal recessive inheritance. Affected: yes.

PreventionGenetics, part of Exact Sciences
Classification: Benign for HPS5-related condition. Last evaluated: 2019-03-22. Review status: no assertion criteria provided. Collection method: clinical testing. Allele origin: germline. Not counted in ClinVar's aggregate classification.
Comment: This variant is classified as benign based on ACMG/AMP sequence variant interpretation guidelines (Richards et al. 2015 PMID: 25741868, with internal and published modifications).

NM_181507.2(HPS5):c.3217A>G (p.Met1073Val)

Gene: HPS5 (HPS5 biogenesis of lysosomal organelles complex 2 subunit 2; minus strand). Cytogenetic location: 11p15.1.
Variant type: single nucleotide variant.
Coding change: c.3217A>G on transcript NM_181507.2 (MANE Select); coding-DNA position 3217, A replaced by G.
Protein change: p.Met1073Val; replaces methionine 1073 with valine.
Molecular consequence: missense variant.
Genome position (GRCh38, 1-based): chr11:18,282,062, T>C on the plus strand (A>G on the coding strand, the complement: HPS5 is on the minus strand). VCF-style: chr11-18282062-T-C. GRCh37 (hg19) VCF-style: chr11-18303609-T-C.
Other names: c.2875A>G, p.Met959Val (NM_007216.4, NM_181508.2); short protein forms M1073V, M959V.
Identifiers: ClinVar variation 707875 (VCV000707875.17), dbSNP rs116394570, ClinGen allele CA5909624.